The following is an entry in ClinVar:

NM_182914.3(SYNE2):c.16169A>T (p.Tyr5390Phe)

Gene: SYNE2 (spectrin repeat containing nuclear envelope protein 2; plus strand). Cytogenetic location: 14q23.2.
Variant type: single nucleotide variant.
Coding change: c.16169A>T on transcript NM_182914.3 (MANE Select); coding-DNA position 16169, A replaced by T.
Protein change: p.Tyr5390Phe; replaces tyrosine 5390 with phenylalanine.
Molecular consequence: missense variant.
Genome position (GRCh38, 1-based): chr14:64,162,146, A>T. VCF-style: chr14-64162146-A-T. GRCh37 (hg19) VCF-style: chr14-64628864-A-T.
Other names: c.16169A>T, p.Tyr5390Phe (NM_015180.6); short protein forms Y5390F.
Identifiers: ClinVar variation 2695683 (VCV002695683.3), dbSNP rs2549555490, ClinGen allele CA389957038.

ClinVar aggregate classification (germline): Uncertain significance (1 of 4 stars; one submission).

Conditions:
Emery-Dreifuss muscular dystrophy 5, autosomal dominant (EDMD5). Also called: EMERY-DREIFUSS MUSCULAR DYSTROPHY 5. Identifiers: Orphanet 261, MedGen C2751805, MONDO:0013072, OMIM 612999.

Submission:

Labcorp Genetics (formerly Invitae), Labcorp
Classification: Uncertain significance for Emery-Dreifuss muscular dystrophy 5, autosomal dominant. Last evaluated: 2025-01-06. Review status: criteria provided, single submitter. Criteria: Invitae Variant Classification Sherloc (09022015). Collection method: clinical testing. Allele origin: germline.
Comment: This sequence change replaces tyrosine, which is neutral and polar, with phenylalanine, which is neutral and non-polar, at codon 5390 of the SYNE2 protein (p.Tyr5390Phe). This variant is not present in population databases (gnomAD no frequency). This variant has not been reported in the literature in individuals affected with SYNE2-related conditions. ClinVar contains an entry for this variant (Variation ID: 2695683). An algorithm developed to predict the effect of missense changes on protein structure and function (PolyPhen-2) suggests that this variant is likely to be disruptive. In summary, the available evidence is currently insufficient to determine the role of this variant in disease. Therefore, it has been classified as a Variant of Uncertain Significance.